The following is an entry in ClinVar:

ClinVar aggregate classification (germline): Uncertain significance (1 of 4 stars; one submission).

Conditions:
Wilson-Turner syndrome (WTS). Also called: MENTAL RETARDATION, X-LINKED, SYNDROMIC 6; INTELLECTUAL DEVELOPMENTAL DISORDER, X-LINKED, SYNDROMIC, WILSON-TURNER TYPE. Identifiers: Orphanet 3459, MedGen C1839736, MONDO:0010665, OMIM 309585.

gnomAD v4.1: 17 of 1,208,579 alleles (0.0014%); highest among the groups gnomAD compares: Non-Finnish European, 0.0016%; no homozygotes.

Submission:

Labcorp Genetics (formerly Invitae), Labcorp
Classification: Uncertain significance for Wilson-Turner syndrome. Last evaluated: 2025-08-20. Review status: criteria provided, single submitter. Criteria: Invitae Variant Classification Sherloc (09022015). Collection method: clinical testing. Allele origin: germline.
Comment: This sequence change affects codon 266 of the LAS1L mRNA. It is a 'silent' change, meaning that it does not change the encoded amino acid sequence of the LAS1L protein. It affects a nucleotide within the consensus splice site. This variant is present in population databases (no rsID available, gnomAD 0.01%). This variant has not been reported in the literature in individuals affected with LAS1L-related conditions. Algorithms developed to predict the effect of sequence changes on RNA splicing suggest that this variant is not likely to affect RNA splicing. In summary, the available evidence is currently insufficient to determine the role of this variant in disease. Therefore, it has been classified as a Variant of Uncertain Significance.

NM_031206.7(LAS1L):c.798T>C (p.Tyr266=)

Gene: LAS1L (LAS1 like ribosome biogenesis factor; minus strand). Cytogenetic location: Xq12.
Variant type: single nucleotide variant.
Coding change: c.798T>C on transcript NM_031206.7 (MANE Select); coding-DNA position 798, T replaced by C.
Protein change: p.Tyr266=; no amino-acid change (tyrosine 266 retained).
Molecular consequence: synonymous variant. On other transcripts: missense variant (1), initiator codon variant (1), non-coding transcript variant (3).
Genome position (GRCh38, 1-based): chrX:65,529,595, A>G on the plus strand (T>C on the coding strand, the complement: LAS1L is on the minus strand). VCF-style: chrX-65529595-A-G. GRCh37 (hg19) VCF-style: chrX-64749475-A-G.
Other names: c.798T>C, p.Tyr266= (NM_001170649.2, NM_001375328.1, NM_001375329.1 and 10 more transcripts); c.672T>C, p.Tyr224= (NM_001170650.2); c.2T>C, p.Met1Thr (NM_001375332.1); short protein forms M1T.
Identifiers: ClinVar variation 4807647 (VCV004807647.1).
Genomic context (GRCh38, chrX:65,529,595, plus strand): 5'-AACCCTAAGCCTGAGCCTTCTGGGCTCATGGGCCGCTTTCTGCCCTCCAAAACACCTACC[A>G]TATAGCTCTTTATGACTCAGGGCCTTTTTGCAATGAGAATCCACCTCTTCGCTGCCTTTG-3'
Protein context (NP_112483.1, residues 256-276): CKKALSHKEL[Tyr266=]ERARELLVSY